The following is an entry in ClinVar:

ClinVar aggregate classification (germline): Uncertain significance (1 of 4 stars; one submission).

Conditions:
Hereditary cancer-predisposing syndrome. Also called: Hereditary neoplastic syndrome; Tumor predisposition; Neoplastic Syndromes, Hereditary; Hereditary Cancer Syndrome. Identifiers: Orphanet 140162, MedGen C0027672, MeSH D009386, MONDO:0015356.

Submission:

Labcorp Genetics (formerly Invitae), Labcorp
Classification: Uncertain significance for Hereditary cancer-predisposing syndrome. Last evaluated: 2021-08-28. Review status: criteria provided, single submitter. Criteria: Invitae Variant Classification Sherloc (09022015). Collection method: clinical testing. Allele origin: germline.
Comment: In summary, the available evidence is currently insufficient to determine the role of this variant in disease. Therefore, it has been classified as a Variant of Uncertain Significance. Algorithms developed to predict the effect of sequence changes on RNA splicing suggest that this variant may create or strengthen a splice site. Algorithms developed to predict the effect of missense changes on protein structure and function (SIFT, PolyPhen-2, Align-GVGD) all suggest that this variant is likely to be tolerated. This variant has not been reported in the literature in individuals affected with RAD50-related conditions. This variant is not present in population databases (ExAC no frequency). This sequence change replaces leucine with valine at codon 541 of the RAD50 protein (p.Leu541Val). The leucine residue is highly conserved and there is a small physicochemical difference between leucine and valine.

NM_005732.4(RAD50):c.1621C>G (p.Leu541Val)

Gene: RAD50 (RAD50 double strand break repair protein; plus strand). Cytogenetic location: 5q31.1.
Variant type: single nucleotide variant.
Coding change: c.1621C>G on transcript NM_005732.4 (MANE Select); coding-DNA position 1621, C replaced by G.
Protein change: p.Leu541Val; replaces leucine 541 with valine.
Molecular consequence: missense variant.
Genome position (GRCh38, 1-based): chr5:132,591,392, C>G. VCF-style: chr5-132591392-C-G. GRCh37 (hg19) VCF-style: chr5-131927084-C-G.
Other names: short protein forms L541V.
Identifiers: ClinVar variation 1349682 (VCV001349682.6), dbSNP rs2149842361, ClinGen allele CA360946169.
Genomic context (GRCh38, chr5:132,591,392, plus strand): 5'-CTTGACCAGGAGATGGAGCAGTTAAACCATCATACAACAACACGTACCCAAATGGAGATG[C>G]TGACCAAAGACAAAGTATGATTTTTCTTTTTGTTCTAATTATACTGTCTGGTACTTAAAA-3'
Protein context (NP_005723.2, residues 531-551): HTTTRTQMEM[Leu541Val]TKDKADKDEQ